The following is an entry in ClinVar:

ClinVar aggregate classification (germline): Likely benign. Review status: criteria provided, multiple submitters, no conflicts (2 of 4 stars). 4 submissions from 4 submitters: Likely benign (3). 1 of the submissions does not count toward it. Last evaluated 2026-01-19.

Conditions:
DGUOK-related disorder. Also called: DGUOK-related condition.

Allele frequency attached by ClinVar (database versions not stated): gnomAD 0.00016; TOPMed 0.00023.

Submissions (5):

Labcorp Genetics (formerly Invitae), Labcorp
Classification: Likely benign. Last evaluated: 2026-01-19. Review status: criteria provided, single submitter. Criteria: Invitae Variant Classification Sherloc (09022015). Collection method: clinical testing. Allele origin: germline.

Blueprint Genetics
Classification: Likely benign. Last evaluated: 2024-11-01. Review status: criteria provided, single submitter. Criteria: ACMG Guidelines, 2015. Collection method: clinical testing. Allele origin: germline.

GeneDx
Classification: Likely benign. Last evaluated: 2017-07-07. Review status: criteria provided, single submitter. Criteria: GeneDx Variant Classification (06012015). Collection method: clinical testing. Allele origin: germline. Affected: yes.
Comment: This variant is considered likely benign or benign based on one or more of the following criteria: it is a conservative change, it occurs at a poorly conserved position in the protein, it is predicted to be benign by multiple in silico algorithms, and/or has population frequency not consistent with disease.

PreventionGenetics, part of Exact Sciences
Classification: Likely benign for DGUOK-related condition. Last evaluated: 2020-04-24. Review status: no assertion criteria provided. Collection method: clinical testing. Allele origin: germline. Not counted in ClinVar's aggregate classification.
Comment: This variant is classified as likely benign based on ACMG/AMP sequence variant interpretation guidelines (Richards et al. 2015 PMID: 25741868, with internal and published modifications).

Dr. Peter K. Rogan Lab, Western University
No classification provided (evidence only). Condition: Malignant tumor of esophagus. Review status: no classification provided. Collection method: in vitro. Allele origin: not applicable. Functional consequence: retained intron. Not counted in ClinVar's aggregate classification.

NM_080916.3(DGUOK):c.444-62C>T

Gene: DGUOK (deoxyguanosine kinase; plus strand). Cytogenetic location: 2p13.1.
Variant type: single nucleotide variant.
Coding change: c.444-62C>T on transcript NM_080916.3 (MANE Select); 62 bases into the intron before coding-DNA position 444, C replaced by T.
Molecular consequence: intron variant.
Genome position (GRCh38, 1-based): chr2:73,950,523, C>T. VCF-style: chr2-73950523-C-T. GRCh37 (hg19) VCF-style: chr2-74177650-C-T.
Other names: c.153-62C>T (NM_001318861.2, NM_001318860.2); c.135-62C>T (NM_001318862.2, NM_001318863.2); c.443+3617C>T (NM_080918.3); c.425+3635C>T (NM_001318859.2); c.444-62C>T (NM_080916.2).
Identifiers: ClinVar variation 510593 (VCV000510593.12), dbSNP rs528587600, ClinGen allele CA50408180.